The following is an entry in ClinVar:

ClinVar aggregate classification (germline): Uncertain significance. Review status: criteria provided, multiple submitters, no conflicts (2 of 4 stars). 3 submissions from 3 submitters: Uncertain significance (3). Last evaluated 2025-11-12.

Conditions:
Inborn genetic diseases. Identifiers: MedGen C0950123, MeSH D030342.
Complement component 7 deficiency (C7D). Also called: C7 DEFICIENCY. Identifiers: MedGen C1864694, MONDO:0012412, OMIM 610102.

Allele frequency attached by ClinVar (database versions not stated): gnomAD exomes 0.00005 and 0.00004; ESP Exome Variant Server 0.00008; ExAC 0.00004; gnomAD 0.00004; TOPMed 0.00002.
gnomAD v4.1: 81 of 1,612,256 alleles (0.005%); highest among the groups gnomAD compares: Non-Finnish European, 0.0064%; no homozygotes.

Submissions (3):

Ambry Genetics
Classification: Uncertain significance for Inborn genetic diseases. Last evaluated: 2025-11-12. Review status: criteria provided, single submitter. Criteria: Ambry Variant Classification Scheme 2023. Collection method: clinical testing. Allele origin: germline.

Fulgent Genetics
Classification: Uncertain significance for Complement component 7 deficiency. Last evaluated: 2022-04-05. Review status: criteria provided, single submitter. Criteria: ACMG Guidelines, 2015. Collection method: clinical testing. Allele origin: unknown.

Labcorp Genetics (formerly Invitae), Labcorp
Classification: Uncertain significance. Last evaluated: 2021-08-31. Review status: criteria provided, single submitter. Criteria: Invitae Variant Classification Sherloc (09022015). Collection method: clinical testing. Allele origin: germline.
Comment: This sequence change replaces glutamine with arginine at codon 415 of the C7 protein (p.Gln415Arg). The glutamine residue is weakly conserved and there is a small physicochemical difference between glutamine and arginine. This variant is present in population databases (rs370190257, ExAC 0.008%). This variant has not been reported in the literature in individuals affected with C7-related conditions. Algorithms developed to predict the effect of missense changes on protein structure and function (SIFT, PolyPhen-2, Align-GVGD) all suggest that this variant is likely to be tolerated. In summary, the available evidence is currently insufficient to determine the role of this variant in disease. Therefore, it has been classified as a Variant of Uncertain Significance.

NM_000587.4(C7):c.1244A>G (p.Gln415Arg)

Gene: C7 (complement C7; plus strand). Cytogenetic location: 5p13.1.
Variant type: single nucleotide variant.
Coding change: c.1244A>G on transcript NM_000587.4 (MANE Select); coding-DNA position 1244, A replaced by G.
Protein change: p.Gln415Arg; replaces glutamine 415 with arginine.
Molecular consequence: missense variant.
Genome position (GRCh38, 1-based): chr5:40,955,537, A>G. VCF-style: chr5-40955537-A-G. GRCh37 (hg19) VCF-style: chr5-40955639-A-G.
Other names: c.1244A>G (NM_000587.2); short protein forms Q415R.
Identifiers: ClinVar variation 1493533 (VCV001493533.7), dbSNP rs370190257, ClinGen allele CA3249894.